The following is an entry in ClinVar:

ClinVar aggregate classification (germline): Uncertain significance (1 of 4 stars; one submission).

Conditions:
Thrombocytopenia. Identifiers: MedGen C0040034, MeSH D013921, MONDO:0002049, HP:0001873.

Allele frequency attached by ClinVar (database versions not stated): ExAC 0.00007; gnomAD 0.00016; TOPMed 0.00017.
gnomAD v4.1: 40 of 1,549,164 alleles (0.0026%); highest among the groups gnomAD compares: African/African-American, 0.053%; no homozygotes.

Submission:

ISTH-SSC Genomics in Thrombosis and Hemostasis, KU Leuven, Center for Molecular and Vascular Biology
Classification: Uncertain significance for Thrombocytopenia. Review status: criteria provided, single submitter. Criteria: ACMG Guidelines, 2015. Collection method: clinical testing. Allele origin: germline. Affected: yes. Observed: 1 compound heterozygote.
Comment: Submitted to GoldVariant by Kathleen Freson, Center for Molecular and Vascular Biology, Leuven, Belgium

NM_000552.5(VWF):c.1795G>T (p.Val599Phe)

Gene: VWF (von Willebrand factor; minus strand). Cytogenetic location: 12p13.31.
Variant type: single nucleotide variant.
Coding change: c.1795G>T on transcript NM_000552.5 (MANE Select); coding-DNA position 1795, G replaced by T.
Protein change: p.Val599Phe; replaces valine 599 with phenylalanine.
Molecular consequence: missense variant.
Genome position (GRCh38, 1-based): chr12:6,057,007, C>A on the plus strand (G>T on the coding strand, the complement: VWF is on the minus strand). VCF-style: chr12-6057007-C-A. GRCh37 (hg19) VCF-style: chr12-6166173-C-A.
Other names: short protein forms V599F.
Identifiers: ClinVar variation 1703811 (VCV001703811.1), dbSNP rs756040607, ClinGen allele CA6403260.